The following is an entry in ClinVar:

ClinVar aggregate classification (germline): Uncertain significance (1 of 4 stars; one submission).

Conditions:
Bethlem myopathy 1A. Also called: MYOPATHY, BENIGN CONGENITAL, WITH CONTRACTURES; Bethlem Muscular Dystrophy; Bethlem myopathy 1. Identifiers: Orphanet 610, MedGen CN029274, MONDO:0024530, OMIM 158810.

gnomAD v4.1: 3 of 1,612,802 alleles (0.00019%); highest among the groups gnomAD compares: Non-Finnish European, 0.00025%; no homozygotes.

Submission:

Labcorp Genetics (formerly Invitae), Labcorp
Classification: Uncertain significance for Bethlem myopathy 1A. Last evaluated: 2022-07-26. Review status: criteria provided, single submitter. Criteria: Invitae Variant Classification Sherloc (09022015). Collection method: clinical testing. Allele origin: germline.
Comment: Advanced modeling of protein sequence and biophysical properties (such as structural, functional, and spatial information, amino acid conservation, physicochemical variation, residue mobility, and thermodynamic stability) performed at Invitae indicates that this missense variant is not expected to disrupt COL6A2 protein function. ClinVar contains an entry for this variant (Variation ID: 542990). This variant has not been reported in the literature in individuals affected with COL6A2-related conditions. This variant is not present in population databases (gnomAD no frequency). This sequence change replaces arginine, which is basic and polar, with proline, which is neutral and non-polar, at codon 489 of the COL6A2 protein (p.Arg489Pro). In summary, the available evidence is currently insufficient to determine the role of this variant in disease. Therefore, it has been classified as a Variant of Uncertain Significance.

NM_001849.4(COL6A2):c.1466G>C (p.Arg489Pro)

Gene: COL6A2 (collagen type VI alpha 2 chain; plus strand). Cytogenetic location: 21q22.3.
Variant type: single nucleotide variant.
Coding change: c.1466G>C on transcript NM_001849.4 (MANE Select); coding-DNA position 1466, G replaced by C.
Protein change: p.Arg489Pro; replaces arginine 489 with proline.
Molecular consequence: missense variant.
Genome position (GRCh38, 1-based): chr21:46,121,563, G>C. VCF-style: chr21-46121563-G-C. GRCh37 (hg19) VCF-style: chr21-47541477-G-C.
Other names: c.1466G>C, p.Arg489Pro (NM_058174.3, NM_058175.3); short protein forms R489P.
Identifiers: ClinVar variation 542990 (VCV000542990.9), dbSNP rs61735828, ClinGen allele CA410531935.